The following is an entry in ClinVar:

ClinVar aggregate classification (germline): Likely benign. Review status: criteria provided, multiple submitters, no conflicts (2 of 4 stars). 3 submissions from 3 submitters: Likely benign (3). Last evaluated 2026-04-23.

Conditions:
PDE6B-related disorder. Also called: PDE6B-related disease; PDE6B-related condition; PDE6B-related disorders.

Allele frequency attached by ClinVar (database versions not stated): ExAC 0.00004; gnomAD exomes 0.00004; TOPMed 0.00005; gnomAD 0.00007 and 0.00008.
gnomAD v4.1: 119 of 1,613,680 alleles (0.0074%); highest among the groups gnomAD compares: Non-Finnish European, 0.0093%; no homozygotes.

Submissions (3):

PreventionGenetics, part of Exact Sciences
Classification: Likely benign for PDE6B-related condition. Last evaluated: 2026-04-23. Review status: criteria provided, single submitter. Criteria: ACMG Guidelines, 2015. Collection method: clinical testing. Allele origin: germline.
Comment: This variant is classified as likely benign based on ACMG/AMP sequence variant interpretation guidelines (Richards et al. 2015 PMID: 25741868, with internal and published modifications).

Labcorp Genetics (formerly Invitae), Labcorp
Classification: Likely benign. Last evaluated: 2025-07-21. Review status: criteria provided, single submitter. Criteria: Invitae Variant Classification Sherloc (09022015). Collection method: clinical testing. Allele origin: germline.

Blueprint Genetics
Classification: Likely benign. Last evaluated: 2024-09-03. Review status: criteria provided, single submitter. Criteria: ACMG Guidelines, 2015. Collection method: clinical testing. Allele origin: germline.

NM_000283.4(PDE6B):c.564G>A (p.Ala188=)

Gene: PDE6B (phosphodiesterase 6B; plus strand). Cytogenetic location: 4p16.3.
Variant type: single nucleotide variant.
Coding change: c.564G>A on transcript NM_000283.4 (MANE Select); coding-DNA position 564, G replaced by A.
Protein change: p.Ala188=; no amino-acid change (alanine 188 retained).
Molecular consequence: synonymous variant.
Genome position (GRCh38, 1-based): chr4:634,772, G>A. VCF-style: chr4-634772-G-A. GRCh37 (hg19) VCF-style: chr4-628561-G-A.
Other names: c.564G>A, p.Ala188= (NM_001145291.2); c.564G>A (NM_000283.3).
Identifiers: ClinVar variation 1082328 (VCV001082328.11), dbSNP rs570324313, ClinGen allele CA2794000.